The following is an entry in ClinVar:

NM_016203.4(PRKAG2):c.707G>C (p.Gly236Ala)

Genes: PRKAG2 (protein kinase AMP-activated non-catalytic subunit gamma 2; minus strand), LOC129999660 (ATAC-STARR-seq lymphoblastoid silent region 18823; plus strand). Cytogenetic location: 7q36.1.
Variant type: single nucleotide variant.
Coding change: c.707G>C on transcript NM_016203.4 (MANE Select); coding-DNA position 707, G replaced by C.
Protein change: p.Gly236Ala; replaces glycine 236 with alanine.
Molecular consequence: missense variant. On other transcripts: 5 prime UTR variant (7), intron variant (3).
Genome position (GRCh38, 1-based): chr7:151,632,116, C>G on the plus strand (G>C on the coding strand, the complement: PRKAG2 is on the minus strand). VCF-style: chr7-151632116-C-G. GRCh37 (hg19) VCF-style: chr7-151329202-C-G.
Other names: c.-17G>C (NM_001407035.1, NM_001407036.1, NM_001407039.1 and 4 more transcripts); c.35G>C, p.Gly12Ala (NM_001407038.1); c.467-36665G>C (NM_001407031.1); c.467-36662G>C (NM_001407030.1); c.95-36665G>C (NM_001407037.1); c.575G>C, p.Gly192Ala (NM_001040633.2, NM_001407024.1, NM_001407026.1 and 1 more transcripts); c.335G>C, p.Gly112Ala (NM_001304527.2, NM_001363698.2, NM_001407028.1 and 1 more transcripts); c.707G>C, p.Gly236Ala (NM_001407021.1, NM_001407022.1, NM_001407023.1); and 2 more; short protein forms G112A, G128A, G12A, G130A, G192A, G236A.
Identifiers: ClinVar variation 4862496 (VCV004862496.1).

ClinVar aggregate classification (germline): Uncertain significance (1 of 4 stars; one submission).

Conditions:
Cardiovascular phenotype. Identifiers: MedGen CN230736.

Submission:

Ambry Genetics
Classification: Uncertain significance for Cardiovascular phenotype. Last evaluated: 2026-04-09. Review status: criteria provided, single submitter. Criteria: Ambry Variant Classification Scheme 2023. Collection method: clinical testing. Allele origin: germline.
Comment: The p.G236A variant (also known as c.707G>C), located in coding exon 5 of the PRKAG2 gene, results from a G to C substitution at nucleotide position 707. The glycine at codon 236 is replaced by alanine, an amino acid with similar properties. This amino acid position is conserved. In addition, this alteration is predicted to be tolerated by in silico analysis. Based on the available evidence, the clinical significance of this variant remains unclear.